The following is an entry in ClinVar:

NM_016013.4(NDUFAF1):c.893T>C (p.Ile298Thr)

Gene: NDUFAF1 (NADH:ubiquinone oxidoreductase complex assembly factor 1; minus strand). Cytogenetic location: 15q15.1.
Variant type: single nucleotide variant.
Coding change: c.893T>C on transcript NM_016013.4 (MANE Select); coding-DNA position 893, T replaced by C.
Protein change: p.Ile298Thr; replaces isoleucine 298 with threonine.
Molecular consequence: missense variant. On other transcripts: non-coding transcript variant (1).
Genome position (GRCh38, 1-based): chr15:41,387,535, A>G on the plus strand (T>C on the coding strand, the complement: NDUFAF1 is on the minus strand). VCF-style: chr15-41387535-A-G. GRCh37 (hg19) VCF-style: chr15-41679733-A-G.
Other names: short protein forms I298T.
Identifiers: ClinVar variation 2473136 (VCV002473136.7), dbSNP rs375783945, ClinGen allele CA7491201.

ClinVar aggregate classification (germline): Uncertain significance. Review status: criteria provided, multiple submitters, no conflicts (2 of 4 stars). 3 submissions from 3 submitters: Uncertain significance (3). Last evaluated 2026-09-21.

Allele frequency attached by ClinVar (database versions not stated): gnomAD exomes 0.00002; TOPMed 0.00002; ExAC 0.00003; gnomAD 0.00003.
gnomAD v4.1: 31 of 1,612,672 alleles (0.0019%); highest among the groups gnomAD compares: East Asian, 0.038%; no homozygotes.

Submissions (3):

GeneDx
Classification: Uncertain significance. Last evaluated: 2026-09-21. Review status: criteria provided, single submitter. Criteria: GeneDx Variant Classification Process June 2021. Collection method: clinical testing. Allele origin: germline.
Comment: In silico analysis supports that this missense variant has a deleterious effect on protein structure/function; Has not been previously published as pathogenic or benign to our knowledge

Ambry Genetics
Classification: Uncertain significance. Last evaluated: 2025-03-21. Review status: criteria provided, single submitter. Criteria: Ambry Variant Classification Scheme 2023. Collection method: clinical testing. Allele origin: germline.

Labcorp Genetics (formerly Invitae), Labcorp
Classification: Uncertain significance. Last evaluated: 2024-07-01. Review status: criteria provided, single submitter. Criteria: Invitae Variant Classification Sherloc (09022015). Collection method: clinical testing. Allele origin: germline.
Comment: This sequence change replaces isoleucine, which is neutral and non-polar, with threonine, which is neutral and polar, at codon 298 of the NDUFAF1 protein (p.Ile298Thr). This variant is present in population databases (rs375783945, gnomAD 0.06%), and has an allele count higher than expected for a pathogenic variant. This variant has not been reported in the literature in individuals affected with NDUFAF1-related conditions. ClinVar contains an entry for this variant (Variation ID: 2473136). Advanced modeling of protein sequence and biophysical properties (such as structural, functional, and spatial information, amino acid conservation, physicochemical variation, residue mobility, and thermodynamic stability) has been performed at Invitae for this missense variant, however the output from this modeling did not meet the statistical confidence thresholds required to predict the impact of this variant on NDUFAF1 protein function. In summary, the available evidence is currently insufficient to determine the role of this variant in disease. Therefore, it has been classified as a Variant of Uncertain Significance.